The following is an entry in ClinVar:

ClinVar aggregate classification (germline): Uncertain significance. Review status: criteria provided, multiple submitters, no conflicts (2 of 4 stars). 2 submissions from 2 submitters: Uncertain significance (2). Last evaluated 2024-08-06.

Conditions:
Hereditary cancer-predisposing syndrome. Also called: Tumor predisposition; Hereditary neoplastic syndrome; Hereditary Cancer Syndrome; Neoplastic Syndromes, Hereditary. Identifiers: Orphanet 140162, MedGen C0027672, MeSH D009386, MONDO:0015356.

Submissions (2):

Ambry Genetics
Classification: Uncertain significance for Hereditary cancer-predisposing syndrome. Last evaluated: 2024-08-06. Review status: criteria provided, single submitter. Criteria: Ambry Variant Classification Scheme 2023. Collection method: clinical testing. Allele origin: germline.
Comment: The c.70delCins19 variant (also known as p.P24delinsNEPRSAS), located in coding exon 1 of the BARD1 gene, results from an in-frame deletion of C and insertion of 19 nucleotides (AACGAGCCTCGTTCCGCGT) at nucleotide position 70. This results in the substitution of a proline residue for seven amino acids (NEPRSAS) at codon 24. This amino acid position is well conserved in available vertebrate species. In addition, the in silico prediction for this alteration is inconclusive (Choi Y et al. PLoS ONE. 2012; 7(10):e46688). Since supporting evidence is limited at this time, the clinical significance of this alteration remains unclear.

Color Diagnostics, LLC DBA Color Health
Classification: Uncertain significance for Hereditary cancer-predisposing syndrome. Last evaluated: 2022-12-27. Review status: criteria provided, single submitter. Criteria: ACMG Guidelines, 2015. Collection method: clinical testing. Allele origin: germline.
Comment: This variant causes an in-frame insertion of seven amino acids in place of proline at codon 24 in the BARD1 protein. To our knowledge, functional studies have not been reported for this variant. This variant has not been reported in individuals affected with hereditary cancer in the literature. This variant has not been identified in the general population by the Genome Aggregation Database (gnomAD). The available evidence is insufficient to determine the role of this variant in disease conclusively. Therefore, this variant is classified as a Variant of Uncertain Significance.

NM_000465.4(BARD1):c.70delinsAACGAGCCTCGTTCCGCGT (p.Pro24delinsAsnGluProArgSerAlaSer)

Gene: BARD1 (BRCA1 associated RING domain 1; minus strand). Cytogenetic location: 2q35.
Variant type: Indel.
Coding change: c.70delinsAACGAGCCTCGTTCCGCGT on transcript NM_000465.4 (MANE Select); coding-DNA position 70, C replaced by AACGAGCCTCGTTCCGCGT.
Protein change: p.Pro24delinsAsnGluProArgSerAlaSer.
Molecular consequence: inframe indel. On other transcripts: non-coding transcript variant (3).
Genome position (GRCh38, 1-based): chr2:214,809,500, G replaced by ACGCGGAACGAGGCTCGTT on the plus strand (C replaced by AACGAGCCTCGTTCCGCGT on the coding strand, the reverse complement: BARD1 is on the minus strand). VCF-style: chr2-214809500-G-ACGCGGAACGAGGCTCGTT. GRCh37 (hg19) VCF-style: chr2-215674224-G-ACGCGGAACGAGGCTCGTT.
Other names: c.70delinsAACGAGCCTCGTTCCGCGT, p.Pro24delinsAsnGluProArgSerAlaSer (NM_001282543.2, NM_001282545.2, NM_001282548.2 and 1 more transcripts); c.70delCinsAACGAGCCTCGTTCCGCGT (NM_000465.2).
Identifiers: ClinVar variation 1171416 (VCV001171416.6), dbSNP rs2106171511, ClinGen allele CA2499215629.
Genomic context (GRCh38, chr2:214,809,500, plus strand): 5'-GGCGGTCGAGCGCGGCGCGACTGTGGGCCCAGGCACCGCGACCATCCGGTTCCATGGCGG[G>ACGCGGAACGAGGCTCGTT]CGCGGAACGAGGCTCGTTCCCGGAGCGGATCCTCGGCTGCCGGTTCCTCGGCTGCCGATT-3'